The following is an entry in ClinVar:

ClinVar aggregate classification (germline): Likely pathogenic (1 of 4 stars; one submission).

Submission:

GeneDx
Classification: Likely pathogenic. Last evaluated: 2024-11-26. Review status: criteria provided, single submitter. Criteria: GeneDx Variant Classification Process June 2021. Collection method: clinical testing. Allele origin: germline. Affected: yes.
Comment: Not observed at significant frequency in large population cohorts (gnomAD); In silico analysis supports that this missense variant has a deleterious effect on protein structure/function; Has not been previously published as pathogenic or benign to our knowledge; This variant is associated with the following publications: (PMID: 24311597)

NM_016169.4(SUFU):c.177G>T (p.Lys59Asn)

Gene: SUFU (SUFU negative regulator of hedgehog signaling; plus strand). Cytogenetic location: 10q24.32.
Variant type: single nucleotide variant.
Coding change: c.177G>T on transcript NM_016169.4 (MANE Select); coding-DNA position 177, G replaced by T.
Protein change: p.Lys59Asn; replaces lysine 59 with asparagine.
Molecular consequence: missense variant.
Genome position (GRCh38, 1-based): chr10:102,504,329, G>T. VCF-style: chr10-102504329-G-T. GRCh37 (hg19) VCF-style: chr10-104264086-G-T.
Other names: c.177G>T, p.Lys59Asn (NM_001178133.2); short protein forms K59N.
Identifiers: ClinVar variation 1320879 (VCV001320879.3), dbSNP rs2135598858, ClinGen allele CA377886777.